The following is an entry in ClinVar:

NM_015909.4(NBAS):c.4301A>G (p.Asp1434Gly)

Gene: NBAS (NBAS subunit of NRZ tethering complex; minus strand). Cytogenetic location: 2p24.3.
Variant type: single nucleotide variant.
Coding change: c.4301A>G on transcript NM_015909.4 (MANE Select); coding-DNA position 4301, A replaced by G.
Protein change: p.Asp1434Gly; replaces aspartic acid 1434 with glycine.
Molecular consequence: missense variant. On other transcripts: non-coding transcript variant (1).
Genome position (GRCh38, 1-based): chr2:15,330,644, T>C on the plus strand (A>G on the coding strand, the complement: NBAS is on the minus strand). VCF-style: chr2-15330644-T-C. GRCh37 (hg19) VCF-style: chr2-15470768-T-C.
Other names: short protein forms D1434G.
Identifiers: ClinVar variation 2065967 (VCV002065967.3), dbSNP rs1230668654, ClinGen allele CA345881473.

ClinVar aggregate classification (germline): Uncertain significance (1 of 4 stars; one submission).

Allele frequency attached by ClinVar (database versions not stated): gnomAD exomes below 0.00001; TOPMed below 0.00001.
gnomAD v4.1: 1 of 1,614,036 alleles (0.000062%); highest among the groups gnomAD compares: Admixed American, 0.0017%; no homozygotes.

Submission:

Labcorp Genetics (formerly Invitae), Labcorp
Classification: Uncertain significance. Last evaluated: 2022-07-26. Review status: criteria provided, single submitter. Criteria: Invitae Variant Classification Sherloc (09022015). Collection method: clinical testing. Allele origin: germline.
Comment: In summary, the available evidence is currently insufficient to determine the role of this variant in disease. Therefore, it has been classified as a Variant of Uncertain Significance. Algorithms developed to predict the effect of sequence changes on RNA splicing suggest that this variant may create or strengthen a splice site. Algorithms developed to predict the effect of missense changes on protein structure and function (SIFT, PolyPhen-2, Align-GVGD) all suggest that this variant is likely to be disruptive. This variant has not been reported in the literature in individuals affected with NBAS-related conditions. This variant is present in population databases (no rsID available, gnomAD 0.003%). This sequence change replaces aspartic acid, which is acidic and polar, with glycine, which is neutral and non-polar, at codon 1434 of the NBAS protein (p.Asp1434Gly).